The following is an entry in ClinVar:

ClinVar aggregate classification (germline): Pathogenic (1 of 4 stars; one submission).

Conditions:
Mucopolysaccharidosis, MPS-II (MPS2). Also called: Hunter Syndrome; IDURONATE 2-SULFATASE DEFICIENCY; Mucopolysaccharidosis Type II; Mucopolysaccharidosis type 2; Attenuated MPS (subtype; formerly known as mild MPS II); Severe MPS II. Identifiers: Orphanet 580, Orphanet 79388, MedGen C0026705, MONDO:0010674, OMIM 309900.

Submission:

Laboratory of Diagnosis and Therapy of Lysosomal Disorders, University of Padova
Classification: Pathogenic for Mucopolysaccharidosis, MPS-II. Last evaluated: 2024-06-07. Review status: criteria provided, single submitter. Criteria: ACMG Guidelines, 2015. Collection method: literature only. Allele origin: germline. Affected: yes. Observed: 1 variant allele.
Comment: Null variant (PVS1_Strong), Absent from controls (or at low frequency) in gnomAD database (PM2_Moderate), Patient’s phenotype or family history highly specific for the disease (PP4_Strong)

Classification method: ACMG Guidelines [PMID:25741868] with modifications

Literature cited by the submitters: PubMed 9875019.

NM_000202.8(IDS):c.1482_1488del (p.Asp496fs)

Gene: IDS (iduronate 2-sulfatase; minus strand). Cytogenetic location: Xq28.
Variant type: Deletion.
Coding change: c.1482_1488del on transcript NM_000202.8 (MANE Select); coding-DNA positions 1482 to 1488, 7 bases deleted (CATAGAC; older notation c.1482_1488delCATAGAC).
Protein change: p.Asp496fs; shifts the reading frame from aspartic acid 496.
Molecular consequence: frameshift variant.
Genome position (GRCh38, 1-based): chrX:149,482,911-149,482,917, GTCTATG deleted on the plus strand (CATAGAC on the coding strand, the reverse complement: IDS is on the minus strand); deleting any 7 consecutive bases within chrX:149,482,911-149,482,919 gives the same sequence; the c. name uses the placement nearest the transcript's 3' end. VCF-style (leftmost placement, unchanged base first): chrX-149482910-AGTCTATG-A. GRCh37 (hg19) VCF-style: chrX-148564441-AGTCTATG-A.
Other names: c.1212_1218del, p.Asp406fs (NM_001166550.4); short protein forms D406fs, D496fs.
Identifiers: ClinVar variation 3256074 (VCV003256074.2).